The following is an entry in ClinVar:

ClinVar aggregate classification (germline): Uncertain significance (1 of 4 stars; one submission).

gnomAD v4.1: 30 of 1,579,058 alleles (0.0019%); highest among the groups gnomAD compares: South Asian, 0.013%; 1 homozygote.

Submission:

Labcorp Genetics (formerly Invitae), Labcorp
Classification: Uncertain significance. Last evaluated: 2024-05-02. Review status: criteria provided, single submitter. Criteria: Invitae Variant Classification Sherloc (09022015). Collection method: clinical testing. Allele origin: germline.
Comment: This sequence change falls in intron 7 of the RPS6KC1 gene. It does not directly change the encoded amino acid sequence of the RPS6KC1 protein. It affects a nucleotide within the consensus splice site. This variant is present in population databases (rs373118301, gnomAD 0.007%). This variant has not been reported in the literature in individuals affected with RPS6KC1-related conditions. Variants that disrupt the consensus splice site are a relatively common cause of aberrant splicing (PMID: 17576681, 9536098). Algorithms developed to predict the effect of sequence changes on RNA splicing suggest that this variant is not likely to affect RNA splicing. In summary, the available evidence is currently insufficient to determine the role of this variant in disease. Therefore, it has been classified as a Variant of Uncertain Significance.

Literature cited by the submitters: PubMed 17576681; PubMed 9536098.

NM_012424.6(RPS6KC1):c.951+3A>G

Gene: RPS6KC1 (ribosomal protein S6 kinase C1; plus strand). Cytogenetic location: 1q32.3.
Variant type: single nucleotide variant.
Coding change: c.951+3A>G on transcript NM_012424.6 (MANE Select); 3 bases into the intron after coding-DNA position 951, A replaced by G.
Molecular consequence: intron variant.
Genome position (GRCh38, 1-based): chr1:213,167,976, A>G. VCF-style: chr1-213167976-A-G. GRCh37 (hg19) VCF-style: chr1-213341319-A-G.
Other names: c.408+3A>G (NM_001349651.2, NM_001349650.2, NM_001349654.2 and 7 more transcripts); c.-257+3A>G (NM_001349660.2, NM_001349662.2, NM_001349661.2); c.-264+3A>G (NM_001349669.2, NM_001349666.2, NM_001349671.2 and 5 more transcripts); c.-171+3A>G (NM_001349664.2, NM_001349670.2, NM_001349663.2); c.60+3A>G (NM_001349658.2, NM_001349657.2); c.-337+3A>G (NM_001349659.2); c.951+3A>G (NM_001349646.2); c.588+3A>G (NM_001349647.2); and 1 more.
Identifiers: ClinVar variation 3627425 (VCV003627425.2).